The following is an entry in ClinVar:

NM_001563.4(IMPG1):c.467A>G (p.Gln156Arg)

Gene: IMPG1 (interphotoreceptor matrix proteoglycan 1; minus strand). Cytogenetic location: 6q14.1.
Variant type: single nucleotide variant.
Coding change: c.467A>G on transcript NM_001563.4 (MANE Select); coding-DNA position 467, A replaced by G.
Protein change: p.Gln156Arg; replaces glutamine 156 with arginine.
Molecular consequence: missense variant.
Genome position (GRCh38, 1-based): chr6:76,034,622, T>C on the plus strand (A>G on the coding strand, the complement: IMPG1 is on the minus strand). VCF-style: chr6-76034622-T-C. GRCh37 (hg19) VCF-style: chr6-76744339-T-C.
Other names: c.233A>G, p.Gln78Arg (NM_001282368.2); short protein forms Q78R, Q156R.
Identifiers: ClinVar variation 3656500 (VCV003656500.2).

ClinVar aggregate classification (germline): Uncertain significance (1 of 4 stars; one submission).

Submission:

Labcorp Genetics (formerly Invitae), Labcorp
Classification: Uncertain significance. Last evaluated: 2024-11-05. Review status: criteria provided, single submitter. Criteria: Invitae Variant Classification Sherloc (09022015). Collection method: clinical testing. Allele origin: germline.
Comment: This sequence change replaces glutamine, which is neutral and polar, with arginine, which is basic and polar, at codon 156 of the IMPG1 protein (p.Gln156Arg). This variant is not present in population databases (gnomAD no frequency). This variant has not been reported in the literature in individuals affected with IMPG1-related conditions. An algorithm developed to predict the effect of missense changes on protein structure and function (PolyPhen-2) suggests that this variant is likely to be tolerated. In summary, the available evidence is currently insufficient to determine the role of this variant in disease. Therefore, it has been classified as a Variant of Uncertain Significance.